The following is an entry in ClinVar:

NM_152564.5(VPS13B):c.6746T>A (p.Val2249Glu)

Gene: VPS13B (vacuolar protein sorting 13 homolog B; plus strand). Cytogenetic location: 8q22.2.
Variant type: single nucleotide variant.
Coding change: c.6746T>A on transcript NM_152564.5 (MANE Select); coding-DNA position 6746, T replaced by A.
Protein change: p.Val2249Glu; replaces valine 2249 with glutamic acid.
Molecular consequence: missense variant.
Genome position (GRCh38, 1-based): chr8:99,720,433, T>A. VCF-style: chr8-99720433-T-A. GRCh37 (hg19) VCF-style: chr8-100732661-T-A.
Other names: c.6821T>A, p.Val2274Glu (NM_017890.5); short protein forms V2249E, V2274E.
Identifiers: ClinVar variation 1044399 (VCV001044399.7), dbSNP rs1833089427, ClinGen allele CA371867717.
Genomic context (GRCh38, chr8:99,720,433, plus strand): 5'-GTTTAGTTCTTCTACATGAATTACTCAATGGATACCTTAATGAGGAGGGAAATTTTGAAG[T>A]ACAAGTTTCTGAACCAGTGCCTCAAATGTCATCTCCTGTGGAAAAGAATCAGACATTTAA-3'
Protein context (NP_689777.3, residues 2239-2259): GYLNEEGNFE[Val2249Glu]QVSEPVPQMS

ClinVar aggregate classification (germline): Uncertain significance (1 of 4 stars; one submission).

Conditions:
Cohen syndrome (COH1). Also called: PEPPER SYNDROME; Cutis verticis gyrata, retinitis pigmentosa, and sensorineural deafness. Identifiers: Orphanet 193, MedGen C0265223, MONDO:0008999, OMIM 216550.

Submission:

Labcorp Genetics (formerly Invitae), Labcorp
Classification: Uncertain significance for Cohen syndrome. Last evaluated: 2024-04-05. Review status: criteria provided, single submitter. Criteria: Invitae Variant Classification Sherloc (09022015). Collection method: clinical testing. Allele origin: germline.
Comment: This sequence change replaces valine, which is neutral and non-polar, with glutamic acid, which is acidic and polar, at codon 2274 of the VPS13B protein (p.Val2274Glu). This variant is not present in population databases (gnomAD no frequency). This variant has not been reported in the literature in individuals affected with VPS13B-related conditions. ClinVar contains an entry for this variant (Variation ID: 1044399). Advanced modeling of protein sequence and biophysical properties (such as structural, functional, and spatial information, amino acid conservation, physicochemical variation, residue mobility, and thermodynamic stability) performed at Invitae indicates that this missense variant is not expected to disrupt VPS13B protein function with a negative predictive value of 80%. In summary, the available evidence is currently insufficient to determine the role of this variant in disease. Therefore, it has been classified as a Variant of Uncertain Significance.